The following is an entry in ClinVar:

NM_000330.4(RS1):c.184+2978_184+2979delinsAT

Genes: CDKL5 (cyclin dependent kinase like 5; plus strand), RS1 (retinoschisin 1; minus strand). Cytogenetic location: Xp22.13.
Variant type: Indel.
Coding change: c.184+2978_184+2979delinsAT on transcript NM_000330.4 (MANE Select); bases 2978 to 2979 of the intron after coding-DNA position 184, TC replaced by AT.
Molecular consequence: intron variant.
Genome position (GRCh38, 1-based): chrX:18,653,674-18,653,675, GA replaced by AT on the plus strand (TC replaced by AT on the coding strand, the reverse complement: RS1 is on the minus strand). VCF-style: chrX-18653674-GA-AT. GRCh37 (hg19) VCF-style: chrX-18671794-GA-AT.
Identifiers: ClinVar variation 189529 (VCV000189529.5), dbSNP rs786204952, ClinGen allele CA199328.
Genomic context (GRCh38, chrX:18,653,674, plus strand): 5'-ATGAATCAACCATTAACGCTGAGGTTGAGTTTTCCTTTCTGAAAATATCTGTGTTGTTAA[GA>AT]TCAAAAACCAGGGCCAGGTGCAGTGGCTCACGCCTGTAATCCCAGCACTTTGGGAGGCCG-3'

ClinVar aggregate classification (germline): Likely benign. Review status: criteria provided, single submitter (1 of 4 stars). 2 submissions from 2 submitters: Likely benign (1). 1 of the submissions does not count toward it. Last evaluated 2024-09-26.

Conditions:
CDKL5 disorder. Identifiers: MedGen CN296942, MONDO:0100039.

Submissions (2):

Centre for Population Genomics, CPG
Classification: Likely benign for CDKL5 disorder. Last evaluated: 2024-09-26. Review status: criteria provided, single submitter. Criteria: McKnight et al. (Hum Mutat. 2022). Collection method: curation. Allele origin: germline. Inheritance: X-linked inheritance.
Comment: This variant has been collected from RettBASE and curated to current modified ACMG/AMP criteria. Based on the classification scheme defined by the ClinGen Rett/Angelman-like Expert Panel for Rett/AS-like Disorders Specifications to the ACMG/AMP Variant Interpretation Guidelines VCEP 3.0, this variant is classified as likely benign. At least the following criteria are met: Non-coding variant outside donor and acceptor splice regions where splicing prediction algorithms do not support significant splicing alteration (spliceAI score <=0.1) (BP4, BP7).

RettBASE
Classification: Benign. Last evaluated: 2014-03-13. Review status: no assertion criteria provided. Collection method: curation. Allele origin: unknown. Observed: 4 variant alleles. Not counted in ClinVar's aggregate classification.

Literature cited by the submitters: PubMed 21212452 (cited by RettBASE).